The following is an entry in ClinVar:

ClinVar aggregate classification (germline): Uncertain significance (1 of 4 stars; one submission).

Allele frequency attached by ClinVar (database versions not stated): TOPMed 0.00001; ExAC 0.00002.
gnomAD v4.1: 1 of 1,613,542 alleles (0.000062%); highest among the groups gnomAD compares: Admixed American, 0.0017%; no homozygotes.

Submission:

Labcorp Genetics (formerly Invitae), Labcorp
Classification: Uncertain significance. Last evaluated: 2024-10-07. Review status: criteria provided, single submitter. Criteria: Invitae Variant Classification Sherloc (09022015). Collection method: clinical testing. Allele origin: germline.
Comment: This sequence change replaces proline, which is neutral and non-polar, with leucine, which is neutral and non-polar, at codon 409 of the ADAMTS18 protein (p.Pro409Leu). This variant is present in population databases (rs756784412, gnomAD 0.006%). This variant has not been reported in the literature in individuals affected with ADAMTS18-related conditions. ClinVar contains an entry for this variant (Variation ID: 2056447). An algorithm developed to predict the effect of missense changes on protein structure and function (PolyPhen-2) suggests that this variant is likely to be disruptive. In summary, the available evidence is currently insufficient to determine the role of this variant in disease. Therefore, it has been classified as a Variant of Uncertain Significance.

NM_199355.4(ADAMTS18):c.1226C>T (p.Pro409Leu)

Gene: ADAMTS18 (ADAM metallopeptidase with thrombospondin type 1 motif 18; minus strand). Cytogenetic location: 16q23.1.
Variant type: single nucleotide variant.
Coding change: c.1226C>T on transcript NM_199355.4 (MANE Select); coding-DNA position 1226, C replaced by T.
Protein change: p.Pro409Leu; replaces proline 409 with leucine.
Molecular consequence: missense variant.
Genome position (GRCh38, 1-based): chr16:77,359,414, G>A on the plus strand (C>T on the coding strand, the complement: ADAMTS18 is on the minus strand). VCF-style: chr16-77359414-G-A. GRCh37 (hg19) VCF-style: chr16-77393311-G-A.
Other names: c.710C>T, p.Pro237Leu (NM_001326358.2); short protein forms P409L, P237L.
Identifiers: ClinVar variation 2056447 (VCV002056447.4), dbSNP rs756784412, ClinGen allele CA8181380.
Genomic context (GRCh38, chr16:77,359,414, plus strand): 5'-CCAAGTCCTGTGTCCTCATTGATGGTACAACTTCGGTACTTAGAGCACATTCCACTGATG[G>A]GGGCAAACCCTATTGAAAGAGCAGTTTCAAATGTGAATCCAAAGGTTGCACACACAGATA-3'
Protein context (NP_955387.1, residues 399-419): NEPCDTLGFA[Pro409Leu]ISGMCSKYRS